The following is an entry in ClinVar:

NM_014484.5(MOCS3):c.271G>A (p.Gly91Ser)

Gene: MOCS3 (molybdenum cofactor synthesis 3; plus strand). Cytogenetic location: 20q13.13.
Variant type: single nucleotide variant.
Coding change: c.271G>A on transcript NM_014484.5 (MANE Select); coding-DNA position 271, G replaced by A.
Protein change: p.Gly91Ser; replaces glycine 91 with serine.
Molecular consequence: missense variant.
Genome position (GRCh38, 1-based): chr20:50,959,113, G>A. VCF-style: chr20-50959113-G-A. GRCh37 (hg19) VCF-style: chr20-49575650-G-A.
Other names: short protein forms G91S.
Identifiers: ClinVar variation 4735194 (VCV004735194.1).

ClinVar aggregate classification (germline): Uncertain significance (1 of 4 stars; one submission).

Submission:

Labcorp Genetics (formerly Invitae), Labcorp
Classification: Uncertain significance. Last evaluated: 2026-01-20. Review status: criteria provided, single submitter. Criteria: Invitae Variant Classification Sherloc (09022015). Collection method: clinical testing. Allele origin: germline.
Comment: This sequence change replaces glycine, which is neutral and non-polar, with serine, which is neutral and polar, at codon 91 of the MOCS3 protein (p.Gly91Ser). This variant is not present in population databases (gnomAD no frequency). This variant has not been reported in the literature in individuals affected with MOCS3-related conditions. An algorithm developed to predict the effect of missense changes on protein structure and function (PolyPhen-2) suggests that this variant is likely to be disruptive. In summary, the available evidence is currently insufficient to determine the role of this variant in disease. Therefore, it has been classified as a Variant of Uncertain Significance.